The following is an entry in ClinVar:

ClinVar aggregate classification (germline): Uncertain significance. Review status: criteria provided, multiple submitters, no conflicts (2 of 4 stars). 2 submissions from 2 submitters: Uncertain significance (2). Last evaluated 2017-10-24.

Conditions:
Hereditary cancer-predisposing syndrome. Also called: Neoplastic Syndromes, Hereditary; Hereditary neoplastic syndrome; Tumor predisposition; Hereditary Cancer Syndrome. Identifiers: Orphanet 140162, MedGen C0027672, MeSH D009386, MONDO:0015356.
Hereditary diffuse gastric adenocarcinoma (HDGC). Also called: DIFFUSE GASTRIC AND LOBULAR BREAST CANCER SYNDROME. Identifiers: Orphanet 26106, MedGen C1708349, MONDO:0007648, OMIM 137215.

Submissions (2):

Labcorp Genetics (formerly Invitae), Labcorp
Classification: Uncertain significance for Hereditary diffuse gastric adenocarcinoma. Last evaluated: 2017-10-24. Review status: criteria provided, single submitter. Criteria: Invitae Variant Classification Sherloc (09022015). Collection method: clinical testing. Allele origin: germline.
Comment: In summary, the available evidence is currently insufficient to determine the role of this variant in disease. Therefore, it has been classified as a Variant of Uncertain Significance. Algorithms developed to predict the effect of missense changes on protein structure and function do not agree on the potential impact of this missense change (SIFT: "Deleterious"; PolyPhen-2: "Probably Damaging"; Align-GVGD: "Class C15"). This variant has not been reported in the literature in individuals with CDH1-related disease. This variant is not present in population databases (ExAC no frequency). This sequence change replaces tyrosine with aspartic acid at codon 450 of the CDH1 protein (p.Tyr450Asp). The tyrosine residue is highly conserved and there is a large physicochemical difference between tyrosine and aspartic acid.

Ambry Genetics
Classification: Uncertain significance for Hereditary cancer-predisposing syndrome. Last evaluated: 2017-10-19. Review status: criteria provided, single submitter. Criteria: Ambry Variant Classification Scheme 2023. Collection method: clinical testing. Allele origin: germline.
Comment: The p.Y450D variant (also known as c.1348T>G), located in coding exon 10 of the CDH1 gene, results from a T to G substitution at nucleotide position 1348. The tyrosine at codon 450 is replaced by aspartic acid, an amino acid with highly dissimilar properties. This amino acid position is highly conserved in available vertebrate species. In addition, this alteration is predicted to be deleterious by in silico analysis. Since supporting evidence is limited at this time, the clinical significance of this alteration remains unclear.

NM_004360.5(CDH1):c.1348T>G (p.Tyr450Asp)

Gene: CDH1 (cadherin 1; plus strand). Cytogenetic location: 16q22.1.
Variant type: single nucleotide variant.
Coding change: c.1348T>G on transcript NM_004360.5 (MANE Select); coding-DNA position 1348, T replaced by G.
Protein change: p.Tyr450Asp; replaces tyrosine 450 with aspartic acid.
Molecular consequence: missense variant. On other transcripts: 5 prime UTR variant (2).
Genome position (GRCh38, 1-based): chr16:68,815,542, T>G. VCF-style: chr16-68815542-T-G. GRCh37 (hg19) VCF-style: chr16-68849445-T-G.
Other names: c.1348T>G (LRG_301t1); c.1165T>G, p.Tyr389Asp (NM_001317184.2); c.-201T>G (NM_001317185.2); c.-472T>G (NM_001317186.2); short protein forms Y450D, Y389D.
Identifiers: ClinVar variation 532475 (VCV000532475.11), dbSNP rs750741214, ClinGen allele CA396462738.